The following is an entry in ClinVar:

NC_000008.11:g.(?_144358571)_(144361296_?)del

Gene: SLC52A2 (solute carrier family 52 member 2; plus strand). Cytogenetic location: 8q24.3.
Variant type: Deletion.
Identifiers: ClinVar variation 830619 (VCV000830619.1).

ClinVar aggregate classification (germline): Pathogenic (1 of 4 stars; one submission).

Conditions:
Brown-Vialetto-van Laere syndrome 2. Also called: SPINOCEREBELLAR ATAXIA WITH BLINDNESS AND DEAFNESS 2; Riboflavin transporter deficiency type 2. Identifiers: Orphanet 572543, Orphanet 97229, MedGen C3553538, MONDO:0013867, OMIM 614707.

Submission:

Labcorp Genetics (formerly Invitae), Labcorp
Classification: Pathogenic for Brown-Vialetto-Van Laere syndrome 2. Last evaluated: 2019-09-25. Review status: criteria provided, single submitter. Criteria: Invitae Variant Classification Sherloc (09022015). Collection method: clinical testing. Allele origin: germline.
Comment: A gross deletion of the genomic region encompassing the full coding sequence of the SLC52A2 gene has been identified. The boundaries of this event are unknown as the deletion extends beyond the assayed region for this gene and therefore may encompass additional genes. This variant has not been reported in the literature in individuals with SLC52A2-related conditions. Loss-of-function variants in SLC52A2 are known to be pathogenic (PMID: 24253200). For these reasons, this variant has been classified as Pathogenic.